The following is an entry in ClinVar:

ClinVar aggregate classification (germline): Uncertain significance (1 of 4 stars; one submission).

Conditions:
Dilated cardiomyopathy 1G (CMD1G). Identifiers: Orphanet 154, MedGen C1858763, MONDO:0011400, OMIM 604145.
Autosomal recessive limb-girdle muscular dystrophy type 2J (LGMDR10). Also called: Limb-girdle muscular dystrophy, type 2J; MUSCULAR DYSTROPHY, LIMB-GIRDLE, AUTOSOMAL RECESSIVE 10. Identifiers: Orphanet 140922, MedGen C1837342, MONDO:0012127, OMIM 608807.

Allele frequency attached by ClinVar (database versions not stated): gnomAD exomes below 0.00001.
gnomAD v4.1: 5 of 1,613,734 alleles (0.00031%); highest among the groups gnomAD compares: South Asian, 0.0055%; no homozygotes.

Submission:

Labcorp Genetics (formerly Invitae), Labcorp
Classification: Uncertain significance for Dilated cardiomyopathy 1G; Autosomal recessive limb-girdle muscular dystrophy type 2J. Last evaluated: 2023-08-17. Review status: criteria provided, single submitter. Criteria: Invitae Variant Classification Sherloc (09022015). Collection method: clinical testing. Allele origin: germline.
Comment: This variant has not been reported in the literature in individuals affected with TTN-related conditions. In summary, the available evidence is currently insufficient to determine the role of this variant in disease. Therefore, it has been classified as a Variant of Uncertain Significance. This variant is located in the A band of TTN (PMID: 25589632). Variants in this region may be relevant for cardiac or neuromuscular disorders (PMID: 25589632, 23975875). Experimental studies and prediction algorithms are not available or were not evaluated, and the functional significance of this variant is currently unknown. ClinVar contains an entry for this variant (Variation ID: 1052403). This variant is present in population databases (no rsID available, gnomAD 0.003%). This sequence change replaces proline, which is neutral and non-polar, with threonine, which is neutral and polar, at codon 31793 of the TTN protein (p.Pro31793Thr).

Literature cited by the submitters: PubMed 25589632; PubMed 23975875.

NM_001267550.2(TTN):c.95377C>A (p.Pro31793Thr)

Genes: TTN-AS1 (TTN antisense RNA 1; plus strand), TTN (titin; minus strand). Cytogenetic location: 2q31.2.
Variant type: single nucleotide variant.
Coding change: c.95377C>A on transcript NM_001267550.2 (MANE Select); coding-DNA position 95377, C replaced by A.
Protein change: p.Pro31793Thr; replaces proline 31793 with threonine.
Molecular consequence: missense variant.
Genome position (GRCh38, 1-based): chr2:178,545,859, G>T on the plus strand (C>A on the coding strand, the complement: TTN is on the minus strand). VCF-style: chr2-178545859-G-T. GRCh37 (hg19) VCF-style: chr2-179410586-G-T.
Other names: c.90454C>A, p.Pro30152Thr (NM_001256850.1); c.68182C>A, p.Pro22728Thr (NM_003319.4); c.87673C>A, p.Pro29225Thr (NM_133378.4); c.68557C>A, p.Pro22853Thr (NM_133432.3); c.68758C>A, p.Pro22920Thr (NM_133437.4); short protein forms P22728T, P22853T, P22920T, P29225T, P30152T, P31793T.
Identifiers: ClinVar variation 1052403 (VCV001052403.9), dbSNP rs1466581888, ClinGen allele CA349462423.